The following is an entry in ClinVar:

ClinVar aggregate classification (germline): Benign/Likely benign. Review status: criteria provided, multiple submitters, no conflicts (2 of 4 stars). 6 submissions from 6 submitters: Benign (5); Likely benign (1). Last evaluated 2026-09-01.

Conditions:
Nemaline myopathy 2 (NEM2). Also called: Nemaline myopathy 2, autosomal recessive. Identifiers: MedGen C1850569, MONDO:0009725, OMIM 256030.

Submissions (6):

CeGaT Center for Human Genetics Tuebingen
Classification: Likely benign. Last evaluated: 2026-09-01. Review status: criteria provided, single submitter. Criteria: CeGaT Center For Human Genetics Tuebingen Variant Classification Criteria Version 2. Collection method: clinical testing. Allele origin: germline. Affected: yes. Observed: 20 variant alleles.
Comment: NEB: PM4, BS1

Labcorp Genetics (formerly Invitae), Labcorp
Classification: Benign for Nemaline myopathy 2. Last evaluated: 2026-02-04. Review status: criteria provided, single submitter. Criteria: Invitae Variant Classification Sherloc (09022015). Collection method: clinical testing. Allele origin: germline.

Athena Diagnostics
Classification: Benign. Last evaluated: 2025-11-06. Review status: criteria provided, single submitter. Criteria: Athena Diagnostics Criteria. Collection method: clinical testing. Allele origin: unknown.
Comment: The frequency of this variant in the general population is higher than would generally be expected for pathogenic variants in this gene.

Women's Health and Genetics/Laboratory Corporation of America, LabCorp
Classification: Benign. Last evaluated: 2023-03-20. Review status: criteria provided, single submitter. Criteria: LabCorp Variant Classification Summary - May 2015. Collection method: clinical testing. Allele origin: germline.
Comment: Variant summary: NEB c.169_183del15 (p.Leu57_Ala61del) results in an in-frame deletion that is predicted to remove 5 amino acids from the encoded protein. The variant allele was found at a frequency of 0.0052 in 248352 control chromosomes in the gnomAD database, including 21 homozygotes. The observed variant frequency is approximately 1.5-fold of the estimated maximal expected allele frequency for a pathogenic variant in NEB causing Nemaline Myopathy 2 phenotype (0.0035), strongly suggesting that the variant is benign. Three ClinVar submitters (evaluation after 2014) have cited the variant, and all laboratories classified the variant as benign. Based on the evidence outlined above, the variant was classified as benign.

GeneDx
Classification: Benign. Last evaluated: 2017-12-05. Review status: criteria provided, single submitter. Criteria: GeneDx Variant Classification (06012015). Collection method: clinical testing. Allele origin: germline. Affected: yes.
Comment: This variant is considered likely benign or benign based on one or more of the following criteria: it is a conservative change, it occurs at a poorly conserved position in the protein, it is predicted to be benign by multiple in silico algorithms, and/or has population frequency not consistent with disease.

Eurofins Ntd Llc (ga)
Classification: Benign. Last evaluated: 2013-03-11. Review status: criteria provided, single submitter. Criteria: EGL Classification Definitions 2015. Collection method: clinical testing. Allele origin: germline. Observed: 2 variant alleles, 2 heterozygotes.

NM_001164508.2(NEB):c.154CTGGCACAGCCAGCA[1] (p.52LAQPA[1])

Gene: NEB (nebulin; minus strand). Cytogenetic location: 2q23.3.
Variant type: Microsatellite.
Coding change: c.154CTGGCACAGCCAGCA[1] on transcript NM_001164508.2 (MANE Select); one copy of the 15-base unit CTGGCACAGCCAGCA starting at c.154; the reference has two copies in a row; one copy, 15 bases deleted.
Protein change: p.52LAQPA[1].
Molecular consequence: inframe deletion.
Genome position (GRCh38, 1-based): chr2:151,727,802-151,727,816, TGCTGGCTGTGCCAG deleted on the plus strand (CTGGCACAGCCAGCA on the coding strand, the reverse complement: NEB is on the minus strand); deleting any 15 consecutive bases within chr2:151,727,802-151,727,831 gives the same sequence; the position shown is the placement nearest the transcript's 3' end. VCF-style (leftmost placement, unchanged base first): chr2-151727801-ATGCTGGCTGTGCCAG-A. GRCh37 (hg19) VCF-style: chr2-152584315-ATGCTGGCTGTGCCAG-A.
Other names: c.154CTGGCACAGCCAGCA[1], p.52LAQPA[1] (NM_001164507.2, NM_001271208.2, NM_004543.5).
Identifiers: ClinVar variation 95115 (VCV000095115.46), dbSNP rs377452683, ClinGen allele CA148212.